The following is an entry in ClinVar:

NM_005502.4(ABCA1):c.364A>T (p.Met122Leu)

Gene: ABCA1 (ATP binding cassette subfamily A member 1; minus strand). Cytogenetic location: 9q31.1.
Variant type: single nucleotide variant.
Coding change: c.364A>T on transcript NM_005502.4 (MANE Select); coding-DNA position 364, A replaced by T.
Protein change: p.Met122Leu; replaces methionine 122 with leucine.
Molecular consequence: missense variant.
Genome position (GRCh38, 1-based): chr9:104,883,096, T>A on the plus strand (A>T on the coding strand, the complement: ABCA1 is on the minus strand). VCF-style: chr9-104883096-T-A. GRCh37 (hg19) VCF-style: chr9-107645377-T-A.
Other names: short protein forms M122L.
Identifiers: ClinVar variation 3224750 (VCV003224750.1), dbSNP rs948927879, ClinGen allele CA197381924.
Genomic context (GRCh38, chr9:104,883,096, plus strand): 5'-TACTTGAGCTGGATTTCTTGATCTGCTGTAATGTTCTCAGAACTTTGCGCATGTCCTTCA[T>A]GCTGGTGTCTTTCTGGCTGTATAAAAGAAGCCTCCGAGCATCTGAGAACAGGCGAGCCAC-3'
Protein context (NP_005493.2, residues 112-132): LLLYSQKDTS[Met122Leu]KDMRKVLRTL

ClinVar aggregate classification (germline): Uncertain significance (1 of 4 stars; one submission).

Conditions:
Cardiovascular phenotype. Identifiers: MedGen CN230736.

Allele frequency attached by ClinVar (database versions not stated): gnomAD exomes below 0.00001; TOPMed below 0.00001.

Submission:

Ambry Genetics
Classification: Uncertain significance for Cardiovascular phenotype. Last evaluated: 2023-10-12. Review status: criteria provided, single submitter. Criteria: Ambry Variant Classification Scheme 2023. Collection method: clinical testing. Allele origin: germline.
Comment: The p.M122L variant (also known as c.364A>T), located in coding exon 4 of the ABCA1 gene, results from an A to T substitution at nucleotide position 364. The methionine at codon 122 is replaced by leucine, an amino acid with highly similar properties. This amino acid position is conserved. In addition, this alteration is predicted to be tolerated by in silico analysis. Since supporting evidence is limited at this time, the clinical significance of this alteration remains unclear.